The following is an entry in ClinVar:

ClinVar aggregate classification (germline): Uncertain significance (1 of 4 stars; one submission).

Conditions:
Intellectual disability, autosomal recessive 42 (NEDDSBA). Also called: GLYCOSYLPHOSPHATIDYLINOSITOL BIOSYNTHESIS DEFECT 9; Neurodevelopmental disorder with dysmorphic features, spasticity, and brain abnormalities. Identifiers: Orphanet 88616, MedGen C4014343, MONDO:0014348, OMIM 615802.

Allele frequency attached by ClinVar (database versions not stated): ESP Exome Variant Server 0.00008.
gnomAD v4.1: 2 of 1,614,112 alleles (0.00012%); highest among the groups gnomAD compares: South Asian, 0.0011%; no homozygotes.

Submission:

Labcorp Genetics (formerly Invitae), Labcorp
Classification: Uncertain significance for Intellectual disability, autosomal recessive 42. Last evaluated: 2017-08-07. Review status: criteria provided, single submitter. Criteria: Invitae Variant Classification Sherloc (09022015). Collection method: clinical testing. Allele origin: germline.
Comment: This sequence change replaces leucine with valine at codon 11 of the PGAP1 protein (p.Leu11Val). The leucine residue is moderately conserved and there is a small physicochemical difference between leucine and valine. This variant is present in population databases (rs375123215, ExAC 0.003%). In summary, the available evidence is currently insufficient to determine the role of this variant in disease. Therefore, it has been classified as a Variant of Uncertain Significance. Algorithms developed to predict the effect of missense changes on protein structure and function output the following: SIFT: "Tolerated"; PolyPhen-2: "Benign"; Align-GVGD: "Class C0". The valine amino acid residue is found in multiple mammalian species, suggesting that this missense change does not adversely affect protein function. These predictions have not been confirmed by published functional studies and their clinical significance is uncertain. This variant has not been reported in the literature in individuals with PGAP1-related disease.

NM_024989.4(PGAP1):c.31C>G (p.Leu11Val)

Gene: PGAP1 (post-GPI attachment to proteins inositol deacylase 1; minus strand). Cytogenetic location: 2q33.1.
Variant type: single nucleotide variant.
Coding change: c.31C>G on transcript NM_024989.4 (MANE Select); coding-DNA position 31, C replaced by G.
Protein change: p.Leu11Val; replaces leucine 11 with valine.
Molecular consequence: missense variant. On other transcripts: 5 prime UTR variant (2).
Genome position (GRCh38, 1-based): chr2:196,926,586, G>C on the plus strand (C>G on the coding strand, the complement: PGAP1 is on the minus strand). VCF-style: chr2-196926586-G-C. GRCh37 (hg19) VCF-style: chr2-197791310-G-C.
Other names: c.-576C>G (NM_001321099.2); c.-1081C>G (NM_001321100.2); short protein forms L11V.
Identifiers: ClinVar variation 581237 (VCV000581237.9), dbSNP rs375123215, ClinGen allele CA2041317.